The following is an entry in ClinVar:

NM_000135.4(FANCA):c.2637C>T (p.Ala879=)

Genes: FANCA (FA complementation group A; minus strand), LOC130059837 (ATAC-STARR-seq lymphoblastoid active region 11420; plus strand). Cytogenetic location: 16q24.3.
Variant type: single nucleotide variant.
Coding change: c.2637C>T on transcript NM_000135.4 (MANE Select); coding-DNA position 2637, C replaced by T.
Protein change: p.Ala879=; no amino-acid change (alanine 879 retained).
Molecular consequence: synonymous variant.
Genome position (GRCh38, 1-based): chr16:89,765,031, G>A on the plus strand (C>T on the coding strand, the complement: FANCA is on the minus strand). VCF-style: chr16-89765031-G-A. GRCh37 (hg19) VCF-style: chr16-89831439-G-A.
Other names: c.2637C>T, p.Ala879= (NM_001286167.3); c.2637C>T (LRG_495t1, NM_000135.3).
Identifiers: ClinVar variation 456099 (VCV000456099.28), dbSNP rs149435806, ClinGen allele CA8251608.

ClinVar aggregate classification (germline): Conflicting classifications of pathogenicity. Review status: criteria provided, conflicting classifications (1 of 4 stars). 8 submissions from 8 submitters: Uncertain significance (1); Likely benign (7). Last evaluated 2026-01-24.

Conditions:
Inborn genetic diseases. Identifiers: MedGen C0950123, MeSH D030342.
Fanconi anemia (FA). Also called: Fanconi's anemia. Identifiers: Orphanet 84, MedGen C0015625, MeSH D005199, MONDO:0019391.
Fanconi anemia complementation group A (FANCA). Also called: Fanconi anemia, group A; FANCA-Related Fanconi Anemia. Identifiers: Orphanet 84, MedGen C3469521, MONDO:0009215, OMIM 227650.

Allele frequency attached by ClinVar (database versions not stated): TOPMed 0.00017; gnomAD 0.00027 and 0.00029; gnomAD exomes 0.00027 and 0.00044; ESP Exome Variant Server 0.00038; ExAC 0.00053.
gnomAD v4.1: 435 of 1,614,122 alleles (0.027%); highest among the groups gnomAD compares: Non-Finnish European, 0.024%; no homozygotes.

Submissions (8):

Labcorp Genetics (formerly Invitae), Labcorp
Classification: Likely benign for Fanconi anemia. Last evaluated: 2026-01-24. Review status: criteria provided, single submitter. Criteria: Invitae Variant Classification Sherloc (09022015). Collection method: clinical testing. Allele origin: germline.

CeGaT Center for Human Genetics Tuebingen
Classification: Likely benign. Last evaluated: 2025-06-01. Review status: criteria provided, single submitter. Criteria: CeGaT Center For Human Genetics Tuebingen Variant Classification Criteria Version 2. Collection method: clinical testing. Allele origin: germline. Affected: yes. Observed: 1 variant allele.
Comment: FANCA: BP4, BP7

Ambry Genetics
Classification: Likely benign for Inborn genetic diseases. Last evaluated: 2024-11-21. Review status: criteria provided, single submitter. Criteria: Ambry Variant Classification Scheme 2023. Collection method: clinical testing. Allele origin: germline.

Blueprint Genetics
Classification: Likely benign. Last evaluated: 2024-09-24. Review status: criteria provided, single submitter. Criteria: ACMG Guidelines, 2015. Collection method: clinical testing. Allele origin: germline.

KCCC/NGS Laboratory, Kuwait Cancer Control Center
Classification: Likely benign for Fanconi anemia complementation group A. Last evaluated: 2023-07-07. Review status: criteria provided, single submitter. Criteria: ACMG Guidelines, 2015. Collection method: clinical testing. Allele origin: germline. Affected: yes.

Quest Diagnostics Nichols Institute San Juan Capistrano
Classification: Likely benign. Last evaluated: 2023-05-19. Review status: criteria provided, single submitter. Criteria: Quest Diagnostics criteria. Collection method: clinical testing. Allele origin: unknown.

Sema4
Classification: Likely benign for Fanconi anemia. Last evaluated: 2021-09-30. Review status: criteria provided, single submitter. Criteria: Sema4 Curation Guidelines. Collection method: curation. Allele origin: germline.

Illumina Laboratory Services, Illumina
Classification: Uncertain significance for Fanconi anemia complementation group A. Last evaluated: 2018-01-15. Review status: criteria provided, single submitter. Criteria: ICSL Variant Classification Criteria 13 December 2019. Collection method: clinical testing. Allele origin: germline.

Literature cited by the submitters: PubMed 32235514 (cited by Quest Diagnostics Nichols Institute San Juan Capistrano).